The following is an entry in ClinVar:

NM_004385.5(VCAN):c.7116T>G (p.Ser2372Arg)

Genes: VCAN (versican; plus strand), VCAN-AS1 (VCAN antisense RNA 1; minus strand). Cytogenetic location: 5q14.3.
Variant type: single nucleotide variant.
Coding change: c.7116T>G on transcript NM_004385.5 (MANE Select); coding-DNA position 7116, T replaced by G.
Protein change: p.Ser2372Arg; replaces serine 2372 with arginine.
Molecular consequence: missense variant. On other transcripts: intron variant (2).
Genome position (GRCh38, 1-based): chr5:83,540,119, T>G. VCF-style: chr5-83540119-T-G. GRCh37 (hg19) VCF-style: chr5-82835938-T-G.
Other names: c.4155T>G, p.Ser1385Arg (NM_001164097.2); c.4004-5418T>G (NM_001164098.2); c.1043-5418T>G (NM_001126336.3); short protein forms S1385R, S2372R.
Identifiers: ClinVar variation 1354061 (VCV001354061.7), dbSNP rs779690845, ClinGen allele CA3333582.

ClinVar aggregate classification (germline): Uncertain significance. Review status: criteria provided, multiple submitters, no conflicts (2 of 4 stars). 2 submissions from 2 submitters: Uncertain significance (2). Last evaluated 2025-07-02.

Allele frequency attached by ClinVar (database versions not stated): gnomAD 0.00001; TOPMed 0.00001.
gnomAD v4.1: 14 of 1,613,858 alleles (0.00087%); highest among the groups gnomAD compares: Non-Finnish European, 0.0012%; no homozygotes.

Submissions (2):

Labcorp Genetics (formerly Invitae), Labcorp
Classification: Uncertain significance. Last evaluated: 2025-07-02. Review status: criteria provided, single submitter. Criteria: Invitae Variant Classification Sherloc (09022015). Collection method: clinical testing. Allele origin: germline.
Comment: This sequence change replaces serine, which is neutral and polar, with arginine, which is basic and polar, at codon 2372 of the VCAN protein (p.Ser2372Arg). This variant is present in population databases (rs779690845, gnomAD 0.002%). This variant has not been reported in the literature in individuals affected with VCAN-related conditions. ClinVar contains an entry for this variant (Variation ID: 1354061). An algorithm developed to predict the effect of missense changes on protein structure and function outputs the following: PolyPhen-2: "Benign". The arginine amino acid residue is found in multiple mammalian species, which suggests that this missense change does not adversely affect protein function. In summary, the available evidence is currently insufficient to determine the role of this variant in disease. Therefore, it has been classified as a Variant of Uncertain Significance.

Blueprint Genetics
Classification: Uncertain significance. Last evaluated: 2021-03-09. Review status: criteria provided, single submitter. Criteria: ACMG Guidelines, 2015. Collection method: clinical testing. Allele origin: germline.